The following is an entry in ClinVar:

ClinVar aggregate classification (germline): Pathogenic (1 of 4 stars; one submission).

Submission:

Labcorp Genetics (formerly Invitae), Labcorp
Classification: Pathogenic. Last evaluated: 2023-10-03. Review status: criteria provided, single submitter. Criteria: Invitae Variant Classification Sherloc (09022015). Collection method: clinical testing. Allele origin: germline.
Comment: This sequence change creates a premature translational stop signal (p.Asn312Lysfs*2) in the CEP135 gene. It is expected to result in an absent or disrupted protein product. Loss-of-function variants in CEP135 are known to be pathogenic (PMID: 22521416, 26657937). This variant is not present in population databases (gnomAD no frequency). This variant has not been reported in the literature in individuals affected with CEP135-related conditions. ClinVar contains an entry for this variant (Variation ID: 2101168). For these reasons, this variant has been classified as Pathogenic.

Literature cited by the submitters: PubMed 22521416; PubMed 26657937.

NM_025009.5(CEP135):c.935dup (p.Asn312fs)

Gene: CEP135 (centrosomal protein 135; plus strand). Cytogenetic location: 4q12.
Variant type: Duplication.
Coding change: c.935dup on transcript NM_025009.5 (MANE Select); coding-DNA position 935, one base duplicated (A; older notation c.935dupA).
Protein change: p.Asn312fs; shifts the reading frame from asparagine 312.
Molecular consequence: frameshift variant.
Genome position (GRCh38, 1-based): chr4:55,965,750, A duplicated; the last of 5 consecutive A bases (chr4:55,965,746-55,965,750); duplicating any one gives the same sequence. VCF-style (leftmost placement, unchanged base first): chr4-55965745-C-CA. GRCh37 (hg19) VCF-style: chr4-56831911-C-CA.
Other names: short protein forms N312fs.
Identifiers: ClinVar variation 2101168 (VCV002101168.4), dbSNP rs2476038564, ClinGen allele CA2580071205.
Genomic context (GRCh38, chr4:55,965,745, plus strand): 5'-TATACGAGAGCTTATGGAAACCAAGGAAACAGTGACATCTGAAGTCGTTAATTTAAGTAA[C>CA]AAAAATGAAAAACTCTGCCAAGAATTAACTGAAATAGATCAGTTAGCACAGCAGTTGGAA-3'